The following is an entry in ClinVar:

NM_002336.3(LRP6):c.3298G>A (p.Gly1100Ser)

Gene: LRP6 (LDL receptor related protein 6; minus strand). Cytogenetic location: 12p13.2.
Variant type: single nucleotide variant.
Coding change: c.3298G>A on transcript NM_002336.3 (MANE Select); coding-DNA position 3298, G replaced by A.
Protein change: p.Gly1100Ser; replaces glycine 1100 with serine.
Molecular consequence: missense variant. On other transcripts: non-coding transcript variant (1).
Genome position (GRCh38, 1-based): chr12:12,147,465, C>T on the plus strand (G>A on the coding strand, the complement: LRP6 is on the minus strand). VCF-style: chr12-12147465-C-T. GRCh37 (hg19) VCF-style: chr12-12300399-C-T.
Other names: c.3298G>A, p.Gly1100Ser (NM_001414246.1, NM_001414244.1, NM_001414245.1 and 4 more transcripts); c.3100G>A, p.Gly1034Ser (NM_001414247.1); c.2845G>A, p.Gly949Ser (NM_001414252.1, NM_001414253.1, NM_001414254.1); c.2791G>A, p.Gly931Ser (NM_001414255.1); short protein forms G1034S, G1100S, G931S, G949S.
Identifiers: ClinVar variation 3616941 (VCV003616941.2).

ClinVar aggregate classification (germline): Uncertain significance (1 of 4 stars; one submission).

gnomAD v4.1: 62 of 1,613,988 alleles (0.0038%); highest among the groups gnomAD compares: South Asian, 0.067%; 1 homozygote.

Submission:

Labcorp Genetics (formerly Invitae), Labcorp
Classification: Uncertain significance. Last evaluated: 2024-04-24. Review status: criteria provided, single submitter. Criteria: Invitae Variant Classification Sherloc (09022015). Collection method: clinical testing. Allele origin: germline.
Comment: This sequence change replaces glycine, which is neutral and non-polar, with serine, which is neutral and polar, at codon 1100 of the LRP6 protein (p.Gly1100Ser). This variant is present in population databases (rs755001223, gnomAD 0.06%), and has an allele count higher than expected for a pathogenic variant. This variant has not been reported in the literature in individuals affected with LRP6-related conditions. Advanced modeling of protein sequence and biophysical properties (such as structural, functional, and spatial information, amino acid conservation, physicochemical variation, residue mobility, and thermodynamic stability) performed at Invitae indicates that this missense variant is not expected to disrupt LRP6 protein function with a negative predictive value of 80%. In summary, the available evidence is currently insufficient to determine the role of this variant in disease. Therefore, it has been classified as a Variant of Uncertain Significance.